The following is an entry in ClinVar:

ClinVar aggregate classification (germline): Uncertain significance. Review status: criteria provided, multiple submitters, no conflicts (2 of 4 stars). 2 submissions from 2 submitters: Uncertain significance (2). Last evaluated 2024-04-01.

Conditions:
Inborn genetic diseases. Identifiers: MedGen C0950123, MeSH D030342.
Pontocerebellar hypoplasia, type 1D. Identifiers: MedGen C4748058, MONDO:0054844, OMIM 618065.

Allele frequency attached by ClinVar (database versions not stated): gnomAD exomes 0.00004; TOPMed 0.00010; gnomAD 0.00005 and 0.00007; ExAC 0.00004.
gnomAD v4.1: 26 of 1,613,978 alleles (0.0016%); highest among the groups gnomAD compares: Admixed American, 0.023%; no homozygotes.

Submissions (2):

Ambry Genetics
Classification: Uncertain significance for Inborn genetic diseases. Last evaluated: 2024-04-01. Review status: criteria provided, single submitter. Criteria: Ambry Variant Classification Scheme 2023. Collection method: clinical testing. Allele origin: germline.

Labcorp Genetics (formerly Invitae), Labcorp
Classification: Uncertain significance. Last evaluated: 2021-08-26. Review status: criteria provided, single submitter. Criteria: Invitae Variant Classification Sherloc (09022015). Collection method: clinical testing. Allele origin: germline.
Comment: This sequence change replaces proline with leucine at codon 88 of the EXOSC9 protein (p.Pro88Leu). The proline residue is highly conserved and there is a moderate physicochemical difference between proline and leucine. This variant is present in population databases (rs774633962, ExAC 0.03%). This variant has not been reported in the literature in individuals affected with EXOSC9-related conditions. Algorithms developed to predict the effect of missense changes on protein structure and function (SIFT, PolyPhen-2, Align-GVGD) all suggest that this variant is likely to be disruptive. In summary, the available evidence is currently insufficient to determine the role of this variant in disease. Therefore, it has been classified as a Variant of Uncertain Significance.

NM_005033.3(EXOSC9):c.263C>T (p.Pro88Leu)

Gene: EXOSC9 (exosome component 9; plus strand). Cytogenetic location: 4q27.
Variant type: single nucleotide variant.
Coding change: c.263C>T on transcript NM_005033.3 (MANE Select); coding-DNA position 263, C replaced by T.
Protein change: p.Pro88Leu; replaces proline 88 with leucine.
Molecular consequence: missense variant.
Genome position (GRCh38, 1-based): chr4:121,802,775, C>T. VCF-style: chr4-121802775-C-T. GRCh37 (hg19) VCF-style: chr4-122723930-C-T.
Other names: c.263C>T, p.Pro88Leu (NM_001034194.2); c.263C>T (NM_001034194.1); short protein forms P88L.
Identifiers: ClinVar variation 1359781 (VCV001359781.7), dbSNP rs774633962, ClinGen allele CA3063339.
Genomic context (GRCh38, chr4:121,802,775, plus strand): 5'-TCAATCGGGCAACAGAAGGTATTCTTTTTTTTAACCTTGAACTCTCTCAGATGGCCGCTC[C>T]AGCTTTCGAACCTGGCAGGTATTTAAATCTTTTTCTTAAGTTGCTTTAGTCATAGGAGAA-3'
Protein context (NP_005024.2, residues 78-98): FNLELSQMAA[Pro88Leu]AFEPGRQSDL